The following is an entry in ClinVar:

ClinVar aggregate classification (germline): Uncertain significance (1 of 4 stars; one submission).

Submission:

Labcorp Genetics (formerly Invitae), Labcorp
Classification: Uncertain significance. Last evaluated: 2023-03-10. Review status: criteria provided, single submitter. Criteria: Invitae Variant Classification Sherloc (09022015). Collection method: clinical testing. Allele origin: germline.
Comment: This variant is not present in population databases (gnomAD no frequency). This sequence change replaces phenylalanine, which is neutral and non-polar, with isoleucine, which is neutral and non-polar, at codon 5 of the PDZD7 protein (p.Phe5Ile). This variant has not been reported in the literature in individuals affected with PDZD7-related conditions. ClinVar contains an entry for this variant (Variation ID: 1996047). Experimental studies and prediction algorithms are not available or were not evaluated, and the functional significance of this variant is currently unknown. In summary, the available evidence is currently insufficient to determine the role of this variant in disease. Therefore, it has been classified as a Variant of Uncertain Significance.

NM_001195263.2(PDZD7):c.13T>A (p.Phe5Ile)

Gene: PDZD7 (PDZ domain containing 7; minus strand). Cytogenetic location: 10q24.31.
Variant type: single nucleotide variant.
Coding change: c.13T>A on transcript NM_001195263.2 (MANE Select); coding-DNA position 13, T replaced by A.
Protein change: p.Phe5Ile; replaces phenylalanine 5 with isoleucine.
Molecular consequence: missense variant.
Genome position (GRCh38, 1-based): chr10:101,030,207, A>T on the plus strand (T>A on the coding strand, the complement: PDZD7 is on the minus strand). VCF-style: chr10-101030207-A-T. GRCh37 (hg19) VCF-style: chr10-102789964-A-T.
Other names: c.13T>A, p.Phe5Ile (NM_001351044.2, NM_024895.5); short protein forms F5I.
Identifiers: ClinVar variation 1996047 (VCV001996047.4), dbSNP rs2493058977, ClinGen allele CA378231556.